The following is an entry in ClinVar:

ClinVar aggregate classification (germline): Uncertain significance (1 of 4 stars; one submission).

Conditions:
Charcot-Marie-Tooth disease type 2. Also called: Charcot-Marie-Tooth type 2. Identifiers: Orphanet 64746, MedGen C0270914, MONDO:0018993.

Allele frequency attached by ClinVar (database versions not stated): gnomAD exomes below 0.00001.
gnomAD v4.1: 3 of 1,613,636 alleles (0.00019%); highest among the groups gnomAD compares: Non-Finnish European, 0.00025%; no homozygotes.

Submission:

Labcorp Genetics (formerly Invitae), Labcorp
Classification: Uncertain significance for Charcot-Marie-Tooth disease type 2. Last evaluated: 2023-07-10. Review status: criteria provided, single submitter. Criteria: Invitae Variant Classification Sherloc (09022015). Collection method: clinical testing. Allele origin: germline.
Comment: In summary, the available evidence is currently insufficient to determine the role of this variant in disease. Therefore, it has been classified as a Variant of Uncertain Significance. Variants that disrupt the consensus splice site are a relatively common cause of aberrant splicing (PMID: 17576681, 9536098). Algorithms developed to predict the effect of sequence changes on RNA splicing suggest that this variant may disrupt the consensus splice site. This variant has not been reported in the literature in individuals affected with AARS-related conditions. This variant is not present in population databases (gnomAD no frequency). This sequence change falls in intron 19 of the AARS gene. It does not directly change the encoded amino acid sequence of the AARS protein. It affects a nucleotide within the consensus splice site.

Literature cited by the submitters: PubMed 17576681; PubMed 9536098.

NM_001605.3(AARS1):c.2607+2C>T

Gene: AARS1 (alanyl-tRNA synthetase 1; minus strand). Cytogenetic location: 16q22.1.
Variant type: single nucleotide variant.
Coding change: c.2607+2C>T on transcript NM_001605.3 (MANE Select); the canonical splice donor site of the intron after coding-DNA position 2607, C replaced by T.
Molecular consequence: splice donor variant.
Genome position (GRCh38, 1-based): chr16:70,253,712, G>A on the plus strand (C>T on the coding strand, the complement: AARS1 is on the minus strand). VCF-style: chr16-70253712-G-A. GRCh37 (hg19) VCF-style: chr16-70287615-G-A.
Identifiers: ClinVar variation 2888772 (VCV002888772.3), dbSNP rs2506989252, ClinGen allele CA396554846.